The following is an entry in ClinVar:

ClinVar aggregate classification (germline): Uncertain significance (1 of 4 stars; one submission).

Submission:

GeneDx
Classification: Uncertain significance. Last evaluated: 2026-03-06. Review status: criteria provided, single submitter. Criteria: GeneDx Variant Classification Process June 2021. Collection method: clinical testing. Allele origin: germline.
Comment: Not observed at significant frequency in large population cohorts (gnomAD); In silico analysis suggests that this missense variant does not alter protein structure/function; Has not been previously published as pathogenic or benign to our knowledge

NM_001003694.2(BRPF1):c.3065C>T (p.Thr1022Ile)

Gene: BRPF1 (bromodomain and PHD finger containing 1; plus strand). Cytogenetic location: 3p25.3.
Variant type: single nucleotide variant.
Coding change: c.3065C>T on transcript NM_001003694.2 (MANE Select); coding-DNA position 3065, C replaced by T.
Protein change: p.Thr1022Ile; replaces threonine 1022 with isoleucine.
Molecular consequence: missense variant. On other transcripts: non-coding transcript variant (1).
Genome position (GRCh38, 1-based): chr3:9,745,152, C>T. VCF-style: chr3-9745152-C-T. GRCh37 (hg19) VCF-style: chr3-9786836-C-T.
Other names: c.2762C>T, p.Thr921Ile (NM_001319049.2); c.3044C>T, p.Thr1015Ile (NM_001319050.2, NM_001438342.1, NM_001438343.1); c.3062C>T, p.Thr1021Ile (NM_001410704.1); c.3047C>T, p.Thr1016Ile (NM_001437892.1, NM_004634.3); c.2780C>T, p.Thr927Ile (NM_001438344.1); c.2777C>T, p.Thr926Ile (NM_001438345.1); c.2759C>T, p.Thr920Ile (NM_001438346.1); short protein forms T1016I, T920I, T926I, T1015I, T1021I, T1022I, T921I, T927I.
Identifiers: ClinVar variation 5008532 (VCV005008532.1).